The following is an entry in ClinVar:

NM_000092.5(COL4A4):c.4027G>A (p.Gly1343Arg)

Gene: COL4A4 (collagen type IV alpha 4 chain; minus strand). Cytogenetic location: 2q36.3.
Variant type: single nucleotide variant.
Coding change: c.4027G>A on transcript NM_000092.5 (MANE Select); coding-DNA position 4027, G replaced by A.
Protein change: p.Gly1343Arg; replaces glycine 1343 with arginine.
Molecular consequence: missense variant.
Genome position (GRCh38, 1-based): chr2:227,027,956, C>T on the plus strand (G>A on the coding strand, the complement: COL4A4 is on the minus strand). VCF-style: chr2-227027956-C-T. GRCh37 (hg19) VCF-style: chr2-227892672-C-T.
Other names: p.(Gly1343Arg); short protein forms G1343R.
Identifiers: ClinVar variation 3376828 (VCV003376828.2).
Genomic context (GRCh38, chr2:227,027,956, plus strand): 5'-GCTCACCCGGAAGACCAGTGGGCCCTTTTCTCCCTGGAGGTCCAGGTAAACCCTTCTCTC[C>T]AGGTGGCCCAGGAAATCCATGTGGTCCCTGCGGTCCCGGGAATCCCACTGGTCCTTAAAA-3'
Protein context (NP_000083.3, residues 1333-1353): QGPHGFPGPP[Gly1343Arg]EKGLPGPPGR

ClinVar aggregate classification (germline): Likely pathogenic. Review status: criteria provided, multiple submitters, no conflicts (2 of 4 stars). 2 submissions from 2 submitters: Likely pathogenic (2). Last evaluated 2026-05-14.

Conditions:
Alport syndrome. Also called: Hemorrhagic familial nephritis; Hemorrhagic hereditary nephritis; Congenital hereditary hematuria. Identifiers: Orphanet 63, MedGen C1567741, MONDO:0018965.
Hematuria, benign familial, 1 (BFH1). Also called: THIN MEMBRANE NEPHROPATHY. Identifiers: MedGen CN376803, MONDO:0007709, OMIM 141200.

Submissions (2):

Centre de Génétique Humaine, Institut de Pathologie Et de Génétique
Classification: Likely pathogenic for Hematuria, benign familial, 1. Last evaluated: 2026-05-14. Review status: criteria provided, single submitter. Criteria: ACMG Guidelines, 2015. Collection method: clinical testing. Allele origin: germline. Inheritance: Autosomal dominant inheritance. Affected: yes. Observed: 1 variant allele, 1 heterozygote. Segregation with disease not observed.
Comment: This missense variant involves a highly conserved glycine located in a ‘Gly-X-Y’ motif in collagenous region, which is characteristic of the pathogenic variants identified in the COL4A4 gene (PM1,PP2). This variant is rare: absent in gnomAD v4.1.0 database (PM2). In silico analysis supports that this missensevariant has a deleterious effect (PP3). Described as LP in ClinVar and as P in pte with ADAS (PP5)

Victorian Clinical Genetics Services, Murdoch Childrens Research Institute
Classification: Likely pathogenic for Alport syndrome. Last evaluated: 2024-09-19. Review status: criteria provided, single submitter. Criteria: ACMG Guidelines, 2015. Collection method: clinical testing. Allele origin: germline. Affected: yes.
Comment: Based on the classification scheme VCGS_Germline_v1.3.4, this variant is classified as Likely pathogenic. Following criteria are met: 0103 - Loss of function is a known mechanism of disease for this gene and is associated with Alport syndrome. Dominant negative is a suspected mechanism of disease for this gene as it is a structural protein (PMIDs: 12028435, 24046192). (I) 0108 - This gene is associated with both recessive and dominant disease. Alport syndrome typically has biallelic inheritance, although rare cases of monoallelic inheritance have been reported (PMID: 28704582). Thin basement membrane nephropathy (TBMN) and focal segmental glomerulosclerosis (FSGS) are associated with autosomal dominant inheritance (OMIM, PMIDs: 16467446, 17942953). (I) 0200 - Variant is predicted to result in a missense amino acid change from glycine to arginine. (I) 0251 - This variant is heterozygous. (I) 0301 - Variant is absent from gnomAD (both v2 and v3). (SP) 0309 - An alternative amino acid change at the same position has been observed in gnomAD (v2) (1 heterozygote, 0 homozygotes). (I) 0501 - Missense variant consistently predicted to be damaging by multiple in silico tools or highly conserved with a major amino acid change. (SP) 0601 - Variant is located in the well-established functional Gly-X-Y motif and affects a glycine residue (DECIPHER). (SP) 0705 - No comparable missense variants have previous evidence for pathogenicity. (I) 0807 - This variant has no previous evidence of pathogenicity. (I) 0905 - No published segregation evidence has been identified for this variant. (I) 1007 - No published functional evidence has been identified for this variant. (I) 1208 - Inheritance information for this variant is not currently available in this individual. (I) Legend: (SP) - Supporting pathogenic, (I) - Information, (SB) - Supporting benign

Literature cited by the submitters: PubMed 41872207 (cited by Centre de Génétique Humaine, Institut de Pathologie Et de Génétique); PubMed 12028435 (cited by Victorian Clinical Genetics Services, Murdoch Childrens Research Institute); PubMed 16467446 (cited by Victorian Clinical Genetics Services, Murdoch Childrens Research Institute); PubMed 17942953 (cited by Victorian Clinical Genetics Services, Murdoch Childrens Research Institute); PubMed 24046192 (cited by Victorian Clinical Genetics Services, Murdoch Childrens Research Institute); PubMed 28704582 (cited by Victorian Clinical Genetics Services, Murdoch Childrens Research Institute).